The following is an entry in ClinVar:

ClinVar aggregate classification (germline): not provided (0 of 4 stars; one submission).

Allele frequency attached by ClinVar (database versions not stated): 1000 Genomes Project 0.00100; 1000 Genomes Project 30x 0.00109; gnomAD 0.00150 and 0.00160; TOPMed 0.00168.

Submission:

Human Evolutionary Genetics, Institut Pasteur
No classification provided. Review status: no classification provided. Collection method: not provided. Allele origin: germline.
ClinVar note: Converted during submission from untested to not provided.

NM_033004.4(NLRP1):c.4057+217T>C

Gene: NLRP1 (NLR family pyrin domain containing 1; minus strand). Cytogenetic location: 17p13.2.
Variant type: single nucleotide variant.
Coding change: c.4057+217T>C on transcript NM_033004.4 (MANE Select); 217 bases into the intron after coding-DNA position 4057, T replaced by C.
Molecular consequence: intron variant.
Genome position (GRCh38, 1-based): chr17:5,517,529, A>G on the plus strand (T>C on the coding strand, the complement: NLRP1 is on the minus strand). VCF-style: chr17-5517529-A-G. GRCh37 (hg19) VCF-style: chr17-5420849-A-G.
Other names: c.3835+217T>C (NM_033007.4); c.3967+217T>C (NM_033006.4); c.3925+217T>C (NM_014922.5); c.4069+217T>C (NM_001033053.3).
Identifiers: ClinVar variation 103029 (VCV000103029.2), dbSNP rs199476218, ClinGen allele CA018528.